The following is an entry in ClinVar:

ClinVar aggregate classification (germline): Likely pathogenic (0 of 4 stars; one submission).

Conditions:
Congenital secretory diarrhea, chloride type (DIAR1). Also called: DIARRHEA 1, SECRETORY CHLORIDE, CONGENITAL; CHLORIDORRHEA, CONGENITAL; CHLORIDE DIARRHEA, CONGENITAL, FINNISH TYPE. Identifiers: Orphanet 53689, MedGen C0267662, MONDO:0008964, OMIM 214700.

gnomAD v4.1: 1 of 1,613,742 alleles (0.000062%); highest among the groups gnomAD compares: Non-Finnish European, 0.000085%; no homozygotes.

Submission:

Juha Muilu Group; Institute for Molecular Medicine Finland (FIMM)
Classification: Likely pathogenic for Congenital secretory diarrhea, chloride type. Review status: no assertion criteria provided. Collection method: not provided. Allele origin: unknown.
Comment: FinDis database variant: This variant was not found or characterized by our laboratory, data were collected from public sources: see reference
ClinVar note: Converted during submission from probable-pathogenic to Likely pathogenic.

NM_000111.3(SLC26A3):c.1487T>G (p.Leu496Arg)

Gene: SLC26A3 (solute carrier family 26 member 3; minus strand). Cytogenetic location: 7q22.3.
Variant type: single nucleotide variant.
Coding change: c.1487T>G on transcript NM_000111.3 (MANE Select); coding-DNA position 1487, T replaced by G.
Protein change: p.Leu496Arg; replaces leucine 496 with arginine.
Molecular consequence: missense variant.
Genome position (GRCh38, 1-based): chr7:107,778,202, A>C on the plus strand (T>G on the coding strand, the complement: SLC26A3 is on the minus strand). VCF-style: chr7-107778202-A-C. GRCh37 (hg19) VCF-style: chr7-107418647-A-C.
Other names: short protein forms L496R.
Identifiers: ClinVar variation 55975 (VCV000055975.2), dbSNP rs386833457, ClinGen allele CA144059.